The following is an entry in ClinVar:

NM_015178.3(RHOBTB2):c.327T>A (p.Ile109=)

Gene: RHOBTB2 (Rho related BTB domain containing 2; plus strand). Cytogenetic location: 8p21.3.
Variant type: single nucleotide variant.
Coding change: c.327T>A on transcript NM_015178.3 (MANE Select); coding-DNA position 327, T replaced by A.
Protein change: p.Ile109=; no amino-acid change (isoleucine 109 retained).
Molecular consequence: synonymous variant.
Genome position (GRCh38, 1-based): chr8:23,005,990, T>A. VCF-style: chr8-23005990-T-A. GRCh37 (hg19) VCF-style: chr8-22863503-T-A.
Other names: c.393T>A, p.Ile131= (NM_001160036.2); c.348T>A, p.Ile116= (NM_001160037.2); c.327T>A, p.Ile109= (NM_001374791.1).
Identifiers: ClinVar variation 5000607 (VCV005000607.1).

ClinVar aggregate classification (germline): Uncertain significance (1 of 4 stars; one submission).

Conditions:
RHOBTB2-related disorder. Also called: RHOBTB2-related condition.

Submission:

PreventionGenetics, part of Exact Sciences
Classification: Uncertain significance for RHOBTB2-related condition. Last evaluated: 2024-10-16. Review status: criteria provided, single submitter. Criteria: ACMG Guidelines, 2015. Collection method: clinical testing. Allele origin: germline.
Comment: The RHOBTB2 c.393T>A variant is not predicted to result in an amino acid change (p.=). This variant is predicted to alter splicing based on available splicing prediction programs (SpliceAI, Jaganathan et al. 2019. PubMed ID: 30661751). However, the use of computer prediction programs is not equivalent to functional evidence. To our knowledge, this variant has not been reported in the literature or in a large population database (gnomAD), indicating this variant is rare. At this time, the clinical significance of this variant is uncertain due to the absence of conclusive functional and genetic evidence.